The following is an entry in ClinVar:

ClinVar aggregate classification (germline): Uncertain significance (1 of 4 stars; one submission).

Submission:

GeneDx
Classification: Uncertain significance. Last evaluated: 2026-03-03. Review status: criteria provided, single submitter. Criteria: GeneDx Variant Classification Process June 2021. Collection method: clinical testing. Allele origin: germline.
Comment: Not observed at significant frequency in large population cohorts (gnomAD); In silico analysis suggests that this missense variant does not alter protein structure/function; Has not been previously published as pathogenic or benign to our knowledge

NM_000384.3(APOB):c.10162A>T (p.Thr3388Ser)

Gene: APOB (apolipoprotein B; minus strand). Cytogenetic location: 2p24.1.
Variant type: single nucleotide variant.
Coding change: c.10162A>T on transcript NM_000384.3 (MANE Select); coding-DNA position 10162, A replaced by T.
Protein change: p.Thr3388Ser; replaces threonine 3388 with serine.
Molecular consequence: missense variant.
Genome position (GRCh38, 1-based): chr2:21,006,706, T>A on the plus strand (A>T on the coding strand, the complement: APOB is on the minus strand). VCF-style: chr2-21006706-T-A. GRCh37 (hg19) VCF-style: chr2-21229578-T-A.
Other names: short protein forms T3388S.
Identifiers: ClinVar variation 5008486 (VCV005008486.1).